The following is an entry in ClinVar:

ClinVar aggregate classification (germline): Uncertain significance (1 of 4 stars; one submission).

Submission:

GeneDx
Classification: Uncertain significance. Last evaluated: 2021-05-11. Review status: criteria provided, single submitter. Criteria: GeneDx Variant Classification Process June 2021. Collection method: clinical testing. Allele origin: germline. Affected: yes.
Comment: Has not been previously published as pathogenic or benign to our knowledge; Not observed in large population cohorts (Lek et al., 2016); Non-canonical splice site variant predicted to result in loss-of-function in a gene for which loss-of-function is not a well-established mechanism of disease; Variants in candidate genes are classified as variants of uncertain significance in accordance with ACMG guidelines (Richards et al., 2015)

NM_001046.3(SLC12A2):c.2803_2803+7delinsTCTTA

Gene: SLC12A2 (solute carrier family 12 member 2; plus strand). Cytogenetic location: 5q23.3.
Variant type: Indel.
Coding change: c.2803_2803+7delinsTCTTA on transcript NM_001046.3 (MANE Select); coding-DNA position 2803 through 7 bases into the intron after coding-DNA position 2803, GGTAAATT replaced by TCTTA.
Molecular consequence: splice donor variant.
Genome position (GRCh38, 1-based): chr5:128,171,746-128,171,753, GGTAAATT replaced by TCTTA. VCF-style: chr5-128171746-GGTAAATT-TCTTA. GRCh37 (hg19) VCF-style: chr5-127507438-GGTAAATT-TCTTA.
Other names: c.2803_2803+7delinsTCTTA (NM_001256461.2).
Identifiers: ClinVar variation 1198085 (VCV001198085.2), dbSNP rs2126746500, ClinGen allele CA2499217532.